The following is an entry in ClinVar:

ClinVar aggregate classification (germline): Benign/Likely benign. Review status: criteria provided, multiple submitters, no conflicts (2 of 4 stars). 9 submissions from 9 submitters: Benign (5); Likely benign (1). 3 of the submissions do not count toward it. Last evaluated 2026-09-01.

Conditions:
Alexander disease (ALXDRD). Also called: Alexander's disease. Identifiers: Orphanet 58, MedGen C0270726, MONDO:0008752, OMIM 203450.

Allele frequency attached by ClinVar (database versions not stated): 1000 Genomes Project 30x 0.00265; 1000 Genomes Project 0.00280; gnomAD 0.00624 and 0.00636; TOPMed 0.00675; gnomAD exomes 0.00678; ExAC 0.00713; ESP Exome Variant Server 0.00853.
gnomAD v4.1: 13,901 of 1,614,160 alleles (0.86%); highest among the groups gnomAD compares: Non-Finnish European, 1%; 68 homozygotes.

Submissions (9):

CeGaT Center for Human Genetics Tuebingen
Classification: Benign. Last evaluated: 2026-09-01. Review status: criteria provided, single submitter. Criteria: CeGaT Center For Human Genetics Tuebingen Variant Classification Criteria Version 2. Collection method: clinical testing. Allele origin: germline. Affected: yes. Observed: 58 variant alleles.
Comment: GFAP: BP4, BP7, BS1, BS2

Labcorp Genetics (formerly Invitae), Labcorp
Classification: Benign. Last evaluated: 2026-01-19. Review status: criteria provided, single submitter. Criteria: Invitae Variant Classification Sherloc (09022015). Collection method: clinical testing. Allele origin: germline.

ARUP Laboratories, Molecular Genetics and Genomics, ARUP Laboratories
Classification: Benign for Alexander disease. Last evaluated: 2025-01-30. Review status: criteria provided, single submitter. Criteria: ARUP Molecular Germline Variant Investigation Process 2024. Collection method: clinical testing. Allele origin: germline.

Blueprint Genetics
Classification: Likely benign. Last evaluated: 2024-11-27. Review status: criteria provided, single submitter. Criteria: ACMG Guidelines, 2015. Collection method: clinical testing. Allele origin: germline.

Athena Diagnostics
Classification: Benign. Last evaluated: 2020-03-18. Review status: criteria provided, single submitter. Criteria: Athena Diagnostics Criteria. Collection method: clinical testing. Allele origin: unknown.

GeneDx
Classification: Benign. Last evaluated: 2015-03-03. Review status: criteria provided, single submitter. Criteria: GeneDx Variant Classification Process June 2021. Collection method: clinical testing. Allele origin: germline. Affected: yes.

Mayo Clinic Laboratories, Mayo Clinic
Classification: Benign. Last evaluated: 2017-11-17. Review status: no assertion criteria provided. Collection method: clinical testing. Allele origin: unknown. Not counted in ClinVar's aggregate classification.

Joint Genome Diagnostic Labs from Nijmegen and Maastricht, Radboudumc and MUMC+
Classification: Benign. Review status: no assertion criteria provided. Collection method: clinical testing. Allele origin: germline. Affected: yes. Study: VKGL Data-share Consensus. Not counted in ClinVar's aggregate classification.

Laboratory of Diagnostic Genome Analysis, Leiden University Medical Center (LUMC)
Classification: Likely benign. Review status: no assertion criteria provided. Collection method: clinical testing. Allele origin: germline. Affected: yes. Study: VKGL Data-share Consensus. Not counted in ClinVar's aggregate classification.

NM_002055.5(GFAP):c.738G>A (p.Ala246=)

Gene: GFAP (glial fibrillary acidic protein; minus strand). Cytogenetic location: 17q21.31.
Variant type: single nucleotide variant.
Coding change: c.738G>A on transcript NM_002055.5 (MANE Select); coding-DNA position 738, G replaced by A.
Protein change: p.Ala246=; no amino-acid change (alanine 246 retained).
Molecular consequence: synonymous variant.
Genome position (GRCh38, 1-based): chr17:44,913,311, C>T on the plus strand (G>A on the coding strand, the complement: GFAP is on the minus strand). VCF-style: chr17-44913311-C-T. GRCh37 (hg19) VCF-style: chr17-42990679-C-T.
Other names: c.738G>A, p.Ala246= (NM_001131019.3, NM_001242376.3, NM_001363846.2).
Identifiers: ClinVar variation 323614 (VCV000323614.58), dbSNP rs147404772, ClinGen allele CA8608873.